The following is an entry in ClinVar:

NM_000968.4(RPL4):c.144C>T (p.Asn48=)

Gene: RPL4 (ribosomal protein L4; minus strand). Cytogenetic location: 15q22.31.
Variant type: single nucleotide variant.
Coding change: c.144C>T on transcript NM_000968.4 (MANE Select); coding-DNA position 144, C replaced by T.
Protein change: p.Asn48=; no amino-acid change (asparagine 48 retained).
Molecular consequence: synonymous variant.
Genome position (GRCh38, 1-based): chr15:66,503,389, G>A on the plus strand (C>T on the coding strand, the complement: RPL4 is on the minus strand). VCF-style: chr15-66503389-G-A. GRCh37 (hg19) VCF-style: chr15-66795727-G-A.
Identifiers: ClinVar variation 2645473 (VCV002645473.24), dbSNP rs11549586, ClinGen allele CA7624982.
Genomic context (GRCh38, chr15:66,503,389, plus strand): 5'-AAATATCTGCAGAAGATATAAATCCATACCTGCTAATTCACTGACAGCATAGGGCTGTCT[G>A]TTGTTTTTGCGCAAGTTGGTGTGAACAAAGTTCACAATATCTGGTCGAATAGGAGCCTTG-3'
Protein context (NP_000959.2, residues 38-58): NFVHTNLRKN[Asn48=]RQPYAVSELA

ClinVar aggregate classification (germline): Likely benign (1 of 4 stars; one submission).

Allele frequency attached by ClinVar (database versions not stated): gnomAD 0.00074; TOPMed 0.00074; ESP Exome Variant Server 0.00108; 1000 Genomes Project 30x 0.00109; ExAC 0.00112; 1000 Genomes Project 0.00120; gnomAD exomes 0.00136.

Submission:

CeGaT Center for Human Genetics Tuebingen
Classification: Likely benign. Last evaluated: 2023-01-01. Review status: criteria provided, single submitter. Criteria: CeGaT Center For Human Genetics Tuebingen Variant Classification Criteria Version 2. Collection method: clinical testing. Allele origin: germline. Affected: yes. Observed: 1 variant allele.
Comment: RPL4: BP4, BP7